The following is an entry in ClinVar:

NM_000363.5(TNNI3):c.488C>T (p.Ala163Val)

Gene: TNNI3 (troponin I3, cardiac type; minus strand). Cytogenetic location: 19q13.42.
Variant type: single nucleotide variant.
Coding change: c.488C>T on transcript NM_000363.5 (MANE Select); coding-DNA position 488, C replaced by T.
Protein change: p.Ala163Val; replaces alanine 163 with valine.
Molecular consequence: missense variant.
Genome position (GRCh38, 1-based): chr19:55,154,091, G>A on the plus strand (C>T on the coding strand, the complement: TNNI3 is on the minus strand). VCF-style: chr19-55154091-G-A. GRCh37 (hg19) VCF-style: chr19-55665459-G-A.
Other names: short protein forms A163V.
Identifiers: ClinVar variation 177866 (VCV000177866.15), dbSNP rs727504367, ClinGen allele CA021757.

ClinVar aggregate classification (germline): Conflicting classifications of pathogenicity. Review status: criteria provided, conflicting classifications (1 of 4 stars). 3 submissions from 3 submitters: Likely pathogenic (1); Uncertain significance (1). 1 of the submissions does not count toward it. Last evaluated 2026-01-05.

Conditions:
Hypertrophic cardiomyopathy. Also called: HYPERTROPHIC MYOCARDIOPATHY. Identifiers: Orphanet 217569, MedGen C0007194, MeSH D002312, MONDO:0005045, HP:0001639.

Submissions (3):

Labcorp Genetics (formerly Invitae), Labcorp
Classification: Uncertain significance for Hypertrophic cardiomyopathy. Last evaluated: 2026-01-05. Review status: criteria provided, single submitter. Criteria: Invitae Variant Classification Sherloc (09022015). Collection method: clinical testing. Allele origin: germline.
Comment: This sequence change replaces alanine, which is neutral and non-polar, with valine, which is neutral and non-polar, at codon 163 of the TNNI3 protein (p.Ala163Val). This variant is not present in population databases (gnomAD no frequency). This missense change has been observed in individual(s) with clinical features of dilated cardiomyopathy (PMID: 27532257). ClinVar contains an entry for this variant (Variation ID: 177866). An algorithm developed to predict the effect of missense changes on protein structure and function (PolyPhen-2) suggests that this variant is likely to be tolerated. In summary, the available evidence is currently insufficient to determine the role of this variant in disease. Therefore, it has been classified as a Variant of Uncertain Significance.

GeneDx
Classification: Likely pathogenic. Last evaluated: 2020-01-07. Review status: criteria provided, single submitter. Criteria: GeneDx Variant Classification Process June 2021. Collection method: clinical testing. Allele origin: germline. Affected: yes.
Comment: Not observed in large population cohorts (Lek et al., 2016); In silico analysis, which includes protein predictors and evolutionary conservation, supports that this variant does not alter protein structure/function; Reported in ClinVar as a variant of uncertain significance (ClinVar Variant ID# 177866; Landrum et al., 2016); This variant is associated with the following publications: (PMID: 27532257)

Laboratory for Molecular Medicine, Mass General Brigham Personalized Medicine
Classification: Uncertain significance. Last evaluated: 2013-01-23. Review status: no assertion criteria provided. Collection method: clinical testing. Allele origin: germline. Observed: 1 variant allele. Not counted in ClinVar's aggregate classification.
Comment: proposed classification - variant undergoing re-assessment, contact laboratory

Literature cited by the submitters: PubMed 27532257 (cited by Labcorp Genetics (formerly Invitae), Labcorp).